The following is an entry in ClinVar:

NM_020937.4(FANCM):c.5741G>A (p.Arg1914Lys)

Gene: FANCM (FA complementation group M; plus strand). Cytogenetic location: 14q21.2.
Variant type: single nucleotide variant.
Coding change: c.5741G>A on transcript NM_020937.4 (MANE Select); coding-DNA position 5741, G replaced by A.
Protein change: p.Arg1914Lys; replaces arginine 1914 with lysine.
Molecular consequence: missense variant.
Genome position (GRCh38, 1-based): chr14:45,198,668, G>A. VCF-style: chr14-45198668-G-A. GRCh37 (hg19) VCF-style: chr14-45667871-G-A.
Other names: c.5741G>A (NM_020937.2); c.5663G>A, p.Arg1888Lys (NM_001308133.2); short protein forms R1888K, R1914K.
Identifiers: ClinVar variation 1002420 (VCV001002420.7), dbSNP rs1890202191, ClinGen allele CA389586588.

ClinVar aggregate classification (germline): Uncertain significance. Review status: criteria provided, multiple submitters, no conflicts (2 of 4 stars). 2 submissions from 2 submitters: Uncertain significance (2). Last evaluated 2025-10-08.

Conditions:
Inborn genetic diseases. Identifiers: MedGen C0950123, MeSH D030342.
Fanconi anemia (FA). Also called: Fanconi's anemia. Identifiers: Orphanet 84, MedGen C0015625, MeSH D005199, MONDO:0019391.

Allele frequency attached by ClinVar (database versions not stated): gnomAD exomes below 0.00001; TOPMed below 0.00001.
gnomAD v4.1: 2 of 1,612,598 alleles (0.00012%); highest among the groups gnomAD compares: Non-Finnish European, 0.00017%; no homozygotes.

Submissions (2):

Ambry Genetics
Classification: Uncertain significance for Inborn genetic diseases. Last evaluated: 2025-10-08. Review status: criteria provided, single submitter. Criteria: Ambry Variant Classification Scheme 2023. Collection method: clinical testing. Allele origin: germline.
Comment: The p.R1914K variant (also known as c.5741G>A), located in coding exon 22 of the FANCM gene, results from a G to A substitution at nucleotide position 5741. The arginine at codon 1914 is replaced by lysine, an amino acid with highly similar properties. This amino acid position is conserved. In addition, the in silico prediction for this alteration is inconclusive. Based on the available evidence, the clinical significance of this variant remains unclear.

Labcorp Genetics (formerly Invitae), Labcorp
Classification: Uncertain significance for Fanconi anemia. Last evaluated: 2021-09-01. Review status: criteria provided, single submitter. Criteria: Invitae Variant Classification Sherloc (09022015). Collection method: clinical testing. Allele origin: germline.
Comment: This sequence change replaces arginine with lysine at codon 1914 of the FANCM protein (p.Arg1914Lys). The arginine residue is highly conserved and there is a small physicochemical difference between arginine and lysine. This variant is not present in population databases (ExAC no frequency). This variant has not been reported in the literature in individuals affected with FANCM-related conditions. Algorithms developed to predict the effect of missense changes on protein structure and function are either unavailable or do not agree on the potential impact of this missense change (SIFT: "Tolerated"; PolyPhen-2: "Probably Damaging"; Align-GVGD: "Class C0"). In summary, the available evidence is currently insufficient to determine the role of this variant in disease. Therefore, it has been classified as a Variant of Uncertain Significance.